The following is an entry in ClinVar:

NM_014423.4(AFF4):c.261T>C (p.Asp87=)

Gene: AFF4 (ALF transcription elongation factor 4; minus strand). Cytogenetic location: 5q31.1.
Variant type: single nucleotide variant.
Coding change: c.261T>C on transcript NM_014423.4 (MANE Select); coding-DNA position 261, T replaced by C.
Protein change: p.Asp87=; no amino-acid change (aspartic acid 87 retained).
Molecular consequence: synonymous variant.
Genome position (GRCh38, 1-based): chr5:132,934,804, A>G on the plus strand (T>C on the coding strand, the complement: AFF4 is on the minus strand). VCF-style: chr5-132934804-A-G. GRCh37 (hg19) VCF-style: chr5-132270496-A-G.
Identifiers: ClinVar variation 4985601 (VCV004985601.1).
Genomic context (GRCh38, chr5:132,934,804, plus strand): 5'-TTTGCTACTCTGATGAGAGCCTCCATGTCTCTGTTCAAAGAAATTTGGGTTAGATTTTTC[A>G]TCTGCTGATGGTGGTACTGTAGGCTTGGGAATTGCAACAAGCTTTGGTATAGATCTGTCT-3'
Protein context (NP_055238.1, residues 77-97): IPKPTVPPSA[Asp87=]EKSNPNFFEQ

ClinVar aggregate classification (germline): Likely benign (1 of 4 stars; one submission).

Conditions:
AFF4-related disorder. Also called: AFF4-related condition.

Submission:

PreventionGenetics, part of Exact Sciences
Classification: Likely benign for AFF4-related condition. Last evaluated: 2025-01-14. Review status: criteria provided, single submitter. Criteria: ACMG Guidelines, 2015. Collection method: clinical testing. Allele origin: germline.
Comment: This variant is classified as likely benign based on ACMG/AMP sequence variant interpretation guidelines (Richards et al. 2015 PMID: 25741868, with internal and published modifications).